The following is an entry in ClinVar:

ClinVar aggregate classification (germline): Benign/Likely benign. Review status: criteria provided, multiple submitters, no conflicts (2 of 4 stars). 3 submissions from 3 submitters: Benign (1); Likely benign (2). Last evaluated 2024-05-07.

Conditions:
Familial cancer of breast. Also called: BREAST CANCER, FAMILIAL; Hereditary breast cancer; hereditary breast carcinoma. Identifiers: Orphanet 227535, MedGen C0346153, MONDO:0016419, OMIM 114480. Disease mechanism: loss of function.
Hereditary cancer-predisposing syndrome. Also called: Neoplastic Syndromes, Hereditary; Hereditary neoplastic syndrome; Tumor predisposition; Hereditary Cancer Syndrome. Identifiers: Orphanet 140162, MedGen C0027672, MeSH D009386, MONDO:0015356.
Ataxia-telangiectasia syndrome (AT). Also called: Cerebello-oculocutaneous telangiectasia; Immunodeficiency with ataxia telangiectasia; Ataxia telangiectasia (A-T); Ataxia-telangiectasia, complementation group E; LOUIS-BAR SYNDROME; Ataxia-telangiectasia. Identifiers: Orphanet 100, MedGen C0004135, MONDO:0008840, OMIM 208900.

Submissions (3):

Myriad Genetics, Inc.
Classification: Benign for Familial cancer of breast. Last evaluated: 2024-05-07. Review status: criteria provided, single submitter. Criteria: Myriad Autosomal Dominant, Autosomal Recessive and X-Linked Classification Criteria (2023). Collection method: clinical testing. Allele origin: unknown.
Comment: This variant is considered benign. This variant is a silent/synonymous amino acid change and it is not expected to impact splicing.

Ambry Genetics
Classification: Likely benign for Hereditary cancer-predisposing syndrome. Last evaluated: 2024-04-04. Review status: criteria provided, single submitter. Criteria: Ambry Variant Classification Scheme 2023. Collection method: clinical testing. Allele origin: germline.

Labcorp Genetics (formerly Invitae), Labcorp
Classification: Likely benign for Ataxia-telangiectasia syndrome. Last evaluated: 2021-10-19. Review status: criteria provided, single submitter. Criteria: Invitae Variant Classification Sherloc (09022015). Collection method: clinical testing. Allele origin: germline.

NM_000051.4(ATM):c.2172T>G (p.Gly724=)

Gene: ATM (ATM serine/threonine kinase; plus strand). Cytogenetic location: 11q22.3.
Variant type: single nucleotide variant.
Coding change: c.2172T>G on transcript NM_000051.4 (MANE Select); coding-DNA position 2172, T replaced by G.
Protein change: p.Gly724=; no amino-acid change (glycine 724 retained).
Molecular consequence: synonymous variant.
Genome position (GRCh38, 1-based): chr11:108,256,262, T>G. VCF-style: chr11-108256262-T-G. GRCh37 (hg19) VCF-style: chr11-108126989-T-G.
Other names: c.2172T>G (NM_000051.3); c.2172T>G, p.Gly724= (NM_001351834.2).
Identifiers: ClinVar variation 1611833 (VCV001611833.10), dbSNP rs1591542120, ClinGen allele CA476672513.
Genomic context (GRCh38, chr11:108,256,262, plus strand): 5'-GGTTTACTTTAAGATTACAAATTCAGAAACTCTTGTCCGGTGTTCACGTCTTTTGGTGGG[T>G]GTCCTTGGCTGCTACTGTTACATGGGTGTAATAGCTGAAGAGGAAGCATATAAGTCAGAA-3'
Protein context (NP_000042.3, residues 714-734): TLVRCSRLLV[Gly724=]VLGCYCYMGV